The following is an entry in ClinVar:

ClinVar aggregate classification (germline): Benign. Review status: criteria provided, multiple submitters, no conflicts (2 of 4 stars). 4 submissions from 2 submitters: Benign (4). Last evaluated 2018-01-12.

Conditions:
Cone-rod dystrophy 2 (CORD2). Also called: CONE-ROD RETINAL DYSTROPHY; Cone-rod retinal dystrophy 2. Identifiers: Orphanet 1872, MedGen C3489532, MONDO:0007362, OMIM 120970.
Leber congenital amaurosis 7 (LCA7). Identifiers: Orphanet 65, MedGen C3151192, MONDO:0013449, OMIM 613829.
Retinitis pigmentosa (RP). Identifiers: Orphanet 791, MedGen C0035334, MeSH D012174, MONDO:0019200, OMIM 268000. Inheritance: Autosomal dominant, autosomal recessive and X linked inheritance.

Allele frequency attached by ClinVar (database versions not stated): 1000 Genomes Project 0.56410; 1000 Genomes Project 30x 0.57089; gnomAD exomes 0.66165; gnomAD 0.66956 and 0.68119; TOPMed 0.68038.
gnomAD v4.1: 102,042 of 152,384 alleles (67%); highest among the groups gnomAD compares: African/African-American, 81%; 35,596 homozygotes.

Submissions (4):

Illumina Laboratory Services, Illumina
Classification: Benign for Leber congenital amaurosis 7. Last evaluated: 2018-01-12. Review status: criteria provided, single submitter. Criteria: ICSL Variant Classification Criteria 13 December 2019. Collection method: clinical testing. Allele origin: germline.
Comment: This variant was observed in the ICSL laboratory as part of a predisposition screen in an ostensibly healthy population. It had not been previously curated by ICSL or reported in the Human Gene Mutation Database (HGMD: prior to June 1st, 2018), and was therefore a candidate for classification through an automated scoring system. Utilizing variant allele frequency, disease prevalence and penetrance estimates, and inheritance mode, an automated score was calculated to assess if this variant is too frequent to cause the disease. Based on the score and internal cut-off values, a variant classified as benign is not then subjected to further curation. The score for this variant resulted in a classification of benign for this disease.

Illumina Laboratory Services, Illumina
Classification: Benign for Retinitis pigmentosa. Last evaluated: 2018-01-12. Review status: criteria provided, single submitter. Criteria: ICSL Variant Classification Criteria 13 December 2019. Collection method: clinical testing. Allele origin: germline.
Comment: the same text as in the submission from Illumina Laboratory Services, Illumina above.

Illumina Laboratory Services, Illumina
Classification: Benign for Cone-rod dystrophy 2. Last evaluated: 2018-01-12. Review status: criteria provided, single submitter. Criteria: ICSL Variant Classification Criteria 13 December 2019. Collection method: clinical testing. Allele origin: germline.
Comment: the same text as in the submission from Illumina Laboratory Services, Illumina above.

Breakthrough Genomics
Classification: Benign. Review status: criteria provided, single submitter. Criteria: ACMG Guidelines, 2015. Collection method: not provided. Allele origin: germline. Inheritance: Autosomal dominant inheritance. Affected: yes.

NM_000554.6(CRX):c.*2183T>C

Gene: CRX (cone-rod homeobox; plus strand). Cytogenetic location: 19q13.33.
Variant type: single nucleotide variant.
Coding change: c.*2183T>C on transcript NM_000554.6 (MANE Select); 2183 bases downstream of the stop codon, T replaced by C.
Molecular consequence: 3 prime UTR variant.
Genome position (GRCh38, 1-based): chr19:47,842,150, T>C. VCF-style: chr19-47842150-T-C. GRCh37 (hg19) VCF-style: chr19-48345407-T-C.
Identifiers: ClinVar variation 329758 (VCV000329758.6), dbSNP rs7259671, ClinGen allele CA10652651.